The following is an entry in ClinVar:

ClinVar aggregate classification (germline): Likely benign (1 of 4 stars; one submission).

Allele frequency attached by ClinVar (database versions not stated): gnomAD exomes 0.00001; gnomAD 0.00002; TOPMed 0.00002; ExAC 0.00004; ESP Exome Variant Server 0.00008.
gnomAD v4.1: 18 of 1,614,060 alleles (0.0011%); highest among the groups gnomAD compares: African/African-American, 0.0027%; no homozygotes.

Submission:

CeGaT Center for Human Genetics Tuebingen
Classification: Likely benign. Last evaluated: 2022-08-01. Review status: criteria provided, single submitter. Criteria: CeGaT Center For Human Genetics Tuebingen Variant Classification Criteria Version 2. Collection method: clinical testing. Allele origin: germline. Affected: yes. Observed: 1 variant allele.
Comment: TGM2: BP4, BP7

NM_004613.4(TGM2):c.888C>T (p.Arg296=)

Gene: TGM2 (transglutaminase 2; minus strand). Cytogenetic location: 20q11.23.
Variant type: single nucleotide variant.
Coding change: c.888C>T on transcript NM_004613.4 (MANE Select); coding-DNA position 888, C replaced by T.
Protein change: p.Arg296=; no amino-acid change (arginine 296 retained).
Molecular consequence: synonymous variant.
Genome position (GRCh38, 1-based): chr20:38,142,171, G>A on the plus strand (C>T on the coding strand, the complement: TGM2 is on the minus strand). VCF-style: chr20-38142171-G-A. GRCh37 (hg19) VCF-style: chr20-36770573-G-A.
Other names: c.888C>T, p.Arg296= (NM_001323316.2, NM_198951.3); c.645C>T, p.Arg215= (NM_001323317.2); c.708C>T, p.Arg236= (NM_001323318.2).
Identifiers: ClinVar variation 2652314 (VCV002652314.24), dbSNP rs140203733, ClinGen allele CA9850434.